The following is an entry in ClinVar:

ClinVar aggregate classification (germline): Uncertain significance (1 of 4 stars; one submission).

Allele frequency attached by ClinVar (database versions not stated): gnomAD 0.00003; gnomAD exomes 0.00005; ExAC 0.00006; TOPMed 0.00003.
gnomAD v4.1: 79 of 1,603,408 alleles (0.0049%); highest among the groups gnomAD compares: East Asian, 0.11%; 2 homozygotes.

Submission:

Labcorp Genetics (formerly Invitae), Labcorp
Classification: Uncertain significance. Last evaluated: 2025-05-19. Review status: criteria provided, single submitter. Criteria: Invitae Variant Classification Sherloc (09022015). Collection method: clinical testing. Allele origin: germline.
Comment: This sequence change replaces proline, which is neutral and non-polar, with leucine, which is neutral and non-polar, at codon 4 of the SLC10A2 protein (p.Pro4Leu). This variant is present in population databases (rs200273975, gnomAD 0.07%), and has an allele count higher than expected for a pathogenic variant. This variant has not been reported in the literature in individuals affected with SLC10A2-related conditions. ClinVar contains an entry for this variant (Variation ID: 2892517). An algorithm developed to predict the effect of missense changes on protein structure and function outputs the following: PolyPhen-2: "Benign". The leucine amino acid residue is found in multiple mammalian species, which suggests that this missense change does not adversely affect protein function. In summary, the available evidence is currently insufficient to determine the role of this variant in disease. Therefore, it has been classified as a Variant of Uncertain Significance.

NM_000452.3(SLC10A2):c.11C>T (p.Pro4Leu)

Gene: SLC10A2 (solute carrier family 10 member 2; minus strand). Cytogenetic location: 13q33.1.
Variant type: single nucleotide variant.
Coding change: c.11C>T on transcript NM_000452.3 (MANE Select); coding-DNA position 11, C replaced by T.
Protein change: p.Pro4Leu; replaces proline 4 with leucine.
Molecular consequence: missense variant.
Genome position (GRCh38, 1-based): chr13:103,066,239, G>A on the plus strand (C>T on the coding strand, the complement: SLC10A2 is on the minus strand). VCF-style: chr13-103066239-G-A. GRCh37 (hg19) VCF-style: chr13-103718589-G-A.
Other names: short protein forms P4L.
Identifiers: ClinVar variation 2892517 (VCV002892517.3), dbSNP rs200273975, ClinGen allele CA7042372.